The following is an entry in ClinVar:

ClinVar aggregate classification (germline): Conflicting classifications of pathogenicity. Review status: criteria provided, conflicting classifications (1 of 4 stars). 2 submissions from 2 submitters: Uncertain significance (1); Likely benign (1). Last evaluated 2023-10-03.

Allele frequency attached by ClinVar (database versions not stated): ExAC 0.00001; gnomAD exomes 0.00002 and 0.00008; gnomAD 0.00003 and 0.00004; TOPMed 0.00003; ESP Exome Variant Server 0.00008.
gnomAD v4.1: 119 of 1,614,072 alleles (0.0074%); highest among the groups gnomAD compares: Non-Finnish European, 0.0099%; no homozygotes.

Submissions (2):

Labcorp Genetics (formerly Invitae), Labcorp
Classification: Uncertain significance. Last evaluated: 2023-10-03. Review status: criteria provided, single submitter. Criteria: Invitae Variant Classification Sherloc (09022015). Collection method: clinical testing. Allele origin: germline.
Comment: This sequence change replaces glutamic acid, which is acidic and polar, with glutamine, which is neutral and polar, at codon 694 of the TUBGCP6 protein (p.Glu694Gln). This variant is present in population databases (rs371704034, gnomAD 0.006%). This variant has not been reported in the literature in individuals affected with TUBGCP6-related conditions. ClinVar contains an entry for this variant (Variation ID: 1003873). An algorithm developed to predict the effect of missense changes on protein structure and function (PolyPhen-2) suggests that this variant is likely to be disruptive. In summary, the available evidence is currently insufficient to determine the role of this variant in disease. Therefore, it has been classified as a Variant of Uncertain Significance.

CeGaT Center for Human Genetics Tuebingen
Classification: Likely benign. Last evaluated: 2022-11-01. Review status: criteria provided, single submitter. Criteria: CeGaT Center For Human Genetics Tuebingen Variant Classification Criteria Version 2. Collection method: clinical testing. Allele origin: germline. Affected: yes. Observed: 1 variant allele.
Comment: TUBGCP6: BP4

NM_020461.4(TUBGCP6):c.2080G>C (p.Glu694Gln)

Gene: TUBGCP6 (tubulin gamma complex component 6; minus strand). Cytogenetic location: 22q13.33.
Variant type: single nucleotide variant.
Coding change: c.2080G>C on transcript NM_020461.4 (MANE Select); coding-DNA position 2080, G replaced by C.
Protein change: p.Glu694Gln; replaces glutamic acid 694 with glutamine.
Molecular consequence: missense variant.
Genome position (GRCh38, 1-based): chr22:50,224,406, C>G on the plus strand (G>C on the coding strand, the complement: TUBGCP6 is on the minus strand). VCF-style: chr22-50224406-C-G. GRCh37 (hg19) VCF-style: chr22-50662835-C-G.
Other names: short protein forms E694Q.
Identifiers: ClinVar variation 1003873 (VCV001003873.28), dbSNP rs371704034, ClinGen allele CA10308353.
Genomic context (GRCh38, chr22:50,224,406, plus strand): 5'-CAAATTGTTCTTTCAGCCTCTGAAACTGCTCACGCTTCCGGGCATCCAAGGCCATCCGTT[C>G]TGACATCTGCCGGTCTACATTGGGACAGTAAGGGGCGCACTGTCACAAGGAGGCCCCAGC-3'
Protein context (NP_065194.3, residues 684-704): LSALSDRQMS[Glu694Gln]RMALDARKRE